The following is an entry in ClinVar:

ClinVar aggregate classification (germline): Conflicting classifications of pathogenicity. Review status: criteria provided, conflicting classifications (1 of 4 stars). 3 submissions from 3 submitters: Uncertain significance (1); Likely benign (1). 1 of the submissions does not count toward it. Last evaluated 2023-12-14.

Conditions:
Hereditary cancer-predisposing syndrome. Also called: Neoplastic Syndromes, Hereditary; Tumor predisposition; Hereditary Cancer Syndrome; Hereditary neoplastic syndrome. Identifiers: Orphanet 140162, MedGen C0027672, MeSH D009386, MONDO:0015356.
Ataxia-telangiectasia syndrome (AT). Also called: Ataxia telangiectasia (A-T); ATAXIA-TELANGIECTASIA, COMPLEMENTATION GROUP A; ATAXIA-TELANGIECTASIA, FRESNO VARIANT; Ataxia-telangiectasia; Ataxia-telangiectasia, complementation group E; LOUIS-BAR SYNDROME. Identifiers: Orphanet 100, MedGen C0004135, MONDO:0008840, OMIM 208900.
Malignant tumor of breast. Also called: Malignant breast neoplasm; Cancer breast. Identifiers: MedGen C0006142, MONDO:0007254. Disease mechanism: loss of function.

Submissions (3):

Ambry Genetics
Classification: Likely benign for Hereditary cancer-predisposing syndrome. Last evaluated: 2023-12-14. Review status: criteria provided, single submitter. Criteria: Ambry Variant Classification Scheme 2023. Collection method: clinical testing. Allele origin: germline.

Labcorp Genetics (formerly Invitae), Labcorp
Classification: Uncertain significance for Ataxia-telangiectasia syndrome. Last evaluated: 2020-10-14. Review status: criteria provided, single submitter. Criteria: Invitae Variant Classification Sherloc (09022015). Collection method: clinical testing. Allele origin: germline.
Comment: This sequence change replaces isoleucine with threonine at codon 2203 of the ATM protein (p.Ile2203Thr). The isoleucine residue is weakly conserved and there is a moderate physicochemical difference between isoleucine and threonine. In summary, the available evidence is currently insufficient to determine the role of this variant in disease. Therefore, it has been classified as a Variant of Uncertain Significance. Advanced modeling of protein sequence and biophysical properties (such as structural, functional, and spatial information, amino acid conservation, physicochemical variation, residue mobility, and thermodynamic stability) performed at Invitae indicates that this missense variant is not expected to disrupt ATM protein function. This variant has not been reported in the literature in individuals with ATM-related conditions. This variant is not present in population databases (ExAC no frequency).

Department of Pathology and Laboratory Medicine, Sinai Health System
Classification: Uncertain significance for Malignant tumor of breast. Review status: no assertion criteria provided. Collection method: clinical testing. Allele origin: unknown. Affected: yes. Study: The Canadian Open Genetics Repository (COGR). Not counted in ClinVar's aggregate classification.
Comment: The ATM p.Ile2203Thr variant was identified in 1 of 106 proband chromosomes (frequency: 0.009) from individuals with solitary fibrous tumours (Chmielecki 2013). The variant was not identified in ClinVar, or LOVD 3.0. The variant was not identified in the following control databases: the Exome Aggregation Consortium (August 8th 2016), or the Genome Aggregation Database (Feb 27, 2017). The p.Ile2203 residue is not conserved in mammals and computational analyses (PolyPhen-2, SIFT, AlignGVGD, BLOSUM, MutationTaster) do not suggest a high likelihood of impact to the protein; however, this information is not predictive enough to rule out pathogenicity. The variant occurs outside of the splicing consensus sequence and in silico or computational prediction software programs (SpliceSiteFinder, MaxEntScan, NNSPLICE, GeneSplicer) do not predict a difference in splicing. In summary, based on the above information the clinical significance of this variant cannot be determined with certainty at this time. This variant is classified as a variant of uncertain significance.

NM_000051.4(ATM):c.6608T>C (p.Ile2203Thr)

Genes: ATM (ATM serine/threonine kinase; plus strand), C11orf65 (chromosome 11 open reading frame 65; minus strand). Cytogenetic location: 11q22.3.
Variant type: single nucleotide variant.
Coding change: c.6608T>C on transcript NM_000051.4 (MANE Select); coding-DNA position 6608, T replaced by C.
Protein change: p.Ile2203Thr; replaces isoleucine 2203 with threonine.
Molecular consequence: missense variant. On other transcripts: intron variant (2).
Genome position (GRCh38, 1-based): chr11:108,325,345, T>C. VCF-style: chr11-108325345-T-C. GRCh37 (hg19) VCF-style: chr11-108196072-T-C.
Other names: c.6608T>C, p.Ile2203Thr (NM_001351834.2); c.641-16274A>G (NM_001330368.2); c.*38+9875A>G (NM_001351110.2); short protein forms I2203T.
Identifiers: ClinVar variation 1025587 (VCV001025587.11), dbSNP rs2085553784, ClinGen allele CA382554718.
Genomic context (GRCh38, chr11:108,325,345, plus strand): 5'-ATGAACTCTATGTCGTGGCATTCAGATCAGTCACACATAGACAACTCTCTGAAGTATATA[T>C]TAAGTGGCAGAAACACTCCCAGCTTCTCAAGGACAGTGATTTTAGTTTTCAGGAGCCTAT-3'
Protein context (NP_000042.3, residues 2193-2213): VTHRQLSEVY[Ile2203Thr]KWQKHSQLLK